The following is an entry in ClinVar:

NM_001164688.2(RD3):c.297-3C>G

Gene: RD3 (RD3 regulator of GUCY2D; minus strand). Cytogenetic location: 1q32.3.
Variant type: single nucleotide variant.
Coding change: c.297-3C>G on transcript NM_001164688.2 (MANE Select); 3 bases into the intron before coding-DNA position 297, C replaced by G.
Molecular consequence: intron variant.
Genome position (GRCh38, 1-based): chr1:211,479,330, G>C on the plus strand (C>G on the coding strand, the complement: RD3 is on the minus strand). VCF-style: chr1-211479330-G-C. GRCh37 (hg19) VCF-style: chr1-211652672-G-C.
Other names: c.297-3C>G (NM_183059.3).
Identifiers: ClinVar variation 1512312 (VCV001512312.4), dbSNP rs764677890, ClinGen allele CA1381093.
Genomic context (GRCh38, chr1:211,479,330, plus strand): 5'-GAAGAGCTGGGACACCTCCTGCACCTCGGGCTCCTGCTCCGCCAGCAGCTGCCGGAACCT[G>C]GGCGGGAGGGGAGGGCGCTGGGGACATTCACCCACAACAGCGGGTCTGGCACCCCGGGCG-3'

ClinVar aggregate classification (germline): Uncertain significance (1 of 4 stars; one submission).

Conditions:
Leber congenital amaurosis 12 (LCA12). Identifiers: Orphanet 65, MedGen C1857743, MONDO:0012525, OMIM 610612.

Allele frequency attached by ClinVar (database versions not stated): ExAC 0.00001; gnomAD exomes 0.00001; TOPMed 0.00002; gnomAD 0.00003 and 0.00004.
gnomAD v4.1: 13 of 1,600,816 alleles (0.00081%); highest among the groups gnomAD compares: Non-Finnish European, 0.001%; no homozygotes.

Submission:

Labcorp Genetics (formerly Invitae), Labcorp
Classification: Uncertain significance for Leber congenital amaurosis 12. Last evaluated: 2022-09-06. Review status: criteria provided, single submitter. Criteria: Invitae Variant Classification Sherloc (09022015). Collection method: clinical testing. Allele origin: germline.
Comment: In summary, the available evidence is currently insufficient to determine the role of this variant in disease. Therefore, it has been classified as a Variant of Uncertain Significance. Variants that disrupt the consensus splice site are a relatively common cause of aberrant splicing (PMID: 17576681, 9536098). Algorithms developed to predict the effect of sequence changes on RNA splicing suggest that this variant may disrupt the consensus splice site. ClinVar contains an entry for this variant (Variation ID: 1512312). This variant has not been reported in the literature in individuals affected with RD3-related conditions. This variant is present in population databases (rs764677890, gnomAD 0.003%). This sequence change falls in intron 2 of the RD3 gene. It does not directly change the encoded amino acid sequence of the RD3 protein. It affects a nucleotide within the consensus splice site.

Literature cited by the submitters: PubMed 17576681; PubMed 9536098.